The following is an entry in ClinVar:

ClinVar aggregate classification (germline): Benign/Likely benign. Review status: criteria provided, multiple submitters, no conflicts (2 of 4 stars). 8 submissions from 8 submitters: Benign (4); Likely benign (2). 2 of the submissions do not count toward it. Last evaluated 2026-01-26.

Allele frequency attached by ClinVar (database versions not stated): gnomAD exomes 0.00048 and 0.00112; ExAC 0.00137; gnomAD 0.00483 and 0.00519; 1000 Genomes Project 30x 0.00484; TOPMed 0.00516; ESP Exome Variant Server 0.00554; 1000 Genomes Project 0.00559.
gnomAD v4.1: 1,474 of 1,614,076 alleles (0.091%); highest among the groups gnomAD compares: African/African-American, 1.7%; 17 homozygotes.

Submissions (8):

Labcorp Genetics (formerly Invitae), Labcorp
Classification: Benign. Last evaluated: 2026-01-26. Review status: criteria provided, single submitter. Criteria: Invitae Variant Classification Sherloc (09022015). Collection method: clinical testing. Allele origin: germline.

Blueprint Genetics
Classification: Benign. Last evaluated: 2024-11-26. Review status: criteria provided, single submitter. Criteria: ACMG Guidelines, 2015. Collection method: clinical testing. Allele origin: germline.

Mayo Clinic Laboratories, Mayo Clinic
Classification: Benign. Last evaluated: 2024-03-01. Review status: criteria provided, single submitter. Criteria: ACMG Guidelines, 2015. Collection method: clinical testing. Allele origin: germline. Observed: 11 variant alleles.
Comment: BS1, BS2, BP4, BP7

GeneDx
Classification: Likely benign. Last evaluated: 2021-04-12. Review status: criteria provided, single submitter. Criteria: GeneDx Variant Classification Process June 2021. Collection method: clinical testing. Allele origin: germline. Affected: yes.

Athena Diagnostics
Classification: Benign. Last evaluated: 2019-09-23. Review status: criteria provided, single submitter. Criteria: Athena Diagnostics Criteria. Collection method: clinical testing. Allele origin: unknown.

Breakthrough Genomics
Classification: Likely benign. Review status: criteria provided, single submitter. Criteria: ACMG Guidelines, 2015. Collection method: not provided. Allele origin: germline. Inheritance: Autosomal dominant inheritance. Affected: yes.

Clinical Genetics DNA and cytogenetics Diagnostics Lab, Erasmus MC, Erasmus Medical Center
Classification: Likely benign. Review status: no assertion criteria provided. Collection method: clinical testing. Allele origin: germline. Affected: yes. Study: VKGL Data-share Consensus. Not counted in ClinVar's aggregate classification.

Laboratory of Diagnostic Genome Analysis, Leiden University Medical Center (LUMC)
Classification: Likely benign. Review status: no assertion criteria provided. Collection method: clinical testing. Allele origin: germline. Affected: yes. Study: VKGL Data-share Consensus. Not counted in ClinVar's aggregate classification.

NM_001845.6(COL4A1):c.4203C>T (p.Asp1401=)

Gene: COL4A1 (collagen type IV alpha 1 chain; minus strand). Cytogenetic location: 13q34.
Variant type: single nucleotide variant.
Coding change: c.4203C>T on transcript NM_001845.6 (MANE Select); coding-DNA position 4203, C replaced by T.
Protein change: p.Asp1401=; no amino-acid change (aspartic acid 1401 retained).
Molecular consequence: synonymous variant.
Genome position (GRCh38, 1-based): chr13:110,163,509, G>A on the plus strand (C>T on the coding strand, the complement: COL4A1 is on the minus strand). VCF-style: chr13-110163509-G-A. GRCh37 (hg19) VCF-style: chr13-110815856-G-A.
Other names: p.Asp1401=.
Identifiers: ClinVar variation 707353 (VCV000707353.19), dbSNP rs141714960, ClinGen allele CA7046992.